The following is an entry in ClinVar:

NM_000069.3(CACNA1S):c.5423T>C (p.Met1808Thr)

Gene: CACNA1S (calcium voltage-gated channel subunit alpha1 S; minus strand). Cytogenetic location: 1q32.1.
Variant type: single nucleotide variant.
Coding change: c.5423T>C on transcript NM_000069.3 (MANE Select); coding-DNA position 5423, T replaced by C.
Protein change: p.Met1808Thr; replaces methionine 1808 with threonine.
Molecular consequence: missense variant.
Genome position (GRCh38, 1-based): chr1:201,040,030, A>G on the plus strand (T>C on the coding strand, the complement: CACNA1S is on the minus strand). VCF-style: chr1-201040030-A-G. GRCh37 (hg19) VCF-style: chr1-201009158-A-G.
Other names: short protein forms M1808T.
Identifiers: ClinVar variation 1426814 (VCV001426814.9), dbSNP rs1170882286, ClinGen allele CA344129593.

ClinVar aggregate classification (germline): Conflicting classifications of pathogenicity. Review status: criteria provided, conflicting classifications (1 of 4 stars). 2 submissions from 2 submitters: Uncertain significance (1); Likely benign (1). Last evaluated 2026-02-03.

Conditions:
Malignant hyperthermia, susceptibility to, 5 (MHS5). Also called: CACNA1S-Related Malignant Hyperthermia Susceptibility. Identifiers: Orphanet 423, MedGen C1866077, MONDO:0011163, OMIM 601887.
Hypokalemic periodic paralysis, type 1. Also called: HypoPP; Hypokalemic Periodic Paralysis Type 1 (AD). Identifiers: Orphanet 681, MedGen C3714580, MONDO:0042979, OMIM 170400.

Allele frequency attached by ClinVar (database versions not stated): gnomAD exomes below 0.00001 and 0.00001; TOPMed below 0.00001.

Submissions (2):

Labcorp Genetics (formerly Invitae), Labcorp
Classification: Likely benign for Hypokalemic periodic paralysis, type 1; Malignant hyperthermia, susceptibility to, 5. Last evaluated: 2026-02-03. Review status: criteria provided, single submitter. Criteria: Invitae Variant Classification Sherloc (09022015). Collection method: clinical testing. Allele origin: germline.

Color Diagnostics, LLC DBA Color Health
Classification: Uncertain significance for Malignant hyperthermia, susceptibility to, 5. Last evaluated: 2025-10-20. Review status: criteria provided, single submitter. Criteria: ACMG Guidelines, 2015. Collection method: clinical testing. Allele origin: germline.
Comment: This missense variant replaces methionine with threonine at codon 1808 of the CACNA1S protein. Computational prediction suggests that this variant may not impact protein structure and function. To our knowledge, functional studies have not been reported for this variant. This variant has not been reported in individuals affected with CACNA1S-related disorders in the literature. This variant has been identified in 3/251200 chromosomes in the general population by the Genome Aggregation Database (gnomAD). The available evidence is insufficient to determine the role of this variant in disease conclusively. Therefore, this variant is classified as a Variant of Uncertain Significance.